The following is an entry in ClinVar:

NM_001130009.3(GEN1):c.2447C>T (p.Thr816Ile)

Gene: GEN1 (GEN1 Holliday junction 5' flap endonuclease; plus strand). Cytogenetic location: 2p24.2.
Variant type: single nucleotide variant.
Coding change: c.2447C>T on transcript NM_001130009.3 (MANE Select); coding-DNA position 2447, C replaced by T.
Protein change: p.Thr816Ile; replaces threonine 816 with isoleucine.
Molecular consequence: missense variant.
Genome position (GRCh38, 1-based): chr2:17,781,659, C>T. VCF-style: chr2-17781659-C-T. GRCh37 (hg19) VCF-style: chr2-17962926-C-T.
Other names: c.2447C>T, p.Thr816Ile (NM_182625.5); short protein forms T816I.
Identifiers: ClinVar variation 4263098 (VCV004263098.1).

ClinVar aggregate classification (germline): Uncertain significance (1 of 4 stars; one submission).

Submission:

Ambry Genetics
Classification: Uncertain significance. Last evaluated: 2025-08-28. Review status: criteria provided, single submitter. Criteria: Ambry Variant Classification Scheme 2023. Collection method: clinical testing. Allele origin: germline.
Comment: The p.T816I variant (also known as c.2447C>T), located in coding exon 13 of the GEN1 gene, results from a C to T substitution at nucleotide position 2447. The threonine at codon 816 is replaced by isoleucine, an amino acid with similar properties. This amino acid position is conserved. In addition, this alteration is predicted to be tolerated by in silico analysis. Based on the available evidence, the clinical significance of this variant remains unclear.